The following is an entry in ClinVar:

NM_004793.4(LONP1):c.2542G>A (p.Ala848Thr)

Gene: LONP1 (lon peptidase 1, mitochondrial; minus strand). Cytogenetic location: 19p13.3.
Variant type: single nucleotide variant.
Coding change: c.2542G>A on transcript NM_004793.4 (MANE Select); coding-DNA position 2542, G replaced by A.
Protein change: p.Ala848Thr; replaces alanine 848 with threonine.
Molecular consequence: missense variant. On other transcripts: non-coding transcript variant (1).
Genome position (GRCh38, 1-based): chr19:5,693,459, C>T on the plus strand (G>A on the coding strand, the complement: LONP1 is on the minus strand). VCF-style: chr19-5693459-C-T. GRCh37 (hg19) VCF-style: chr19-5693470-C-T.
Other names: c.2542G>A (NM_004793.3); c.2350G>A, p.Ala784Thr (NM_001276479.2); c.1954G>A, p.Ala652Thr (NM_001276480.1); short protein forms A848T, A652T, A784T.
Identifiers: ClinVar variation 1032940 (VCV001032940.10), dbSNP rs147591431, ClinGen allele CA9114051.

ClinVar aggregate classification (germline): Conflicting classifications of pathogenicity. Review status: criteria provided, conflicting classifications (1 of 4 stars). 5 submissions from 5 submitters: Uncertain significance (4); Likely benign (1). Last evaluated 2025-12-22.

Conditions:
LONP1-related disorder. Also called: LONP1-related disorders; LONP1-related condition.
Inborn genetic diseases. Identifiers: MedGen C0950123, MeSH D030342.
CODAS syndrome. Also called: CEREBRAL, OCULAR, DENTAL, AURICULAR, AND SKELETAL ANOMALIES SYNDROME. Identifiers: Orphanet 1458, MedGen C1838180, MONDO:0010879, OMIM 600373.

Allele frequency attached by ClinVar (database versions not stated): gnomAD exomes 0.00014 and 0.00016; ESP Exome Variant Server 0.00015; TOPMed 0.00016; gnomAD 0.00017 and 0.00019; ExAC 0.00018.

Submissions (5):

PreventionGenetics, part of Exact Sciences
Classification: Uncertain significance for LONP1-related condition. Last evaluated: 2025-12-22. Review status: criteria provided, single submitter. Criteria: ACMG Guidelines, 2015. Collection method: clinical testing. Allele origin: germline.
Comment: The LONP1 c.2542G>A variant is predicted to result in the amino acid substitution p.Ala848Thr. To our knowledge, this variant has not been reported in the literature. This variant is present in 0.033% of alleles in individuals of European (Non-Finnish) descent in gnomAD. At this time, the clinical significance of this variant is uncertain due to the absence of conclusive functional and genetic evidence.

Labcorp Genetics (formerly Invitae), Labcorp
Classification: Likely benign. Last evaluated: 2025-10-07. Review status: criteria provided, single submitter. Criteria: Invitae Variant Classification Sherloc (09022015). Collection method: clinical testing. Allele origin: germline.

Ambry Genetics
Classification: Uncertain significance for Inborn genetic diseases. Last evaluated: 2024-11-07. Review status: criteria provided, single submitter. Criteria: Ambry Variant Classification Scheme 2023. Collection method: clinical testing. Allele origin: germline.

GeneDx
Classification: Uncertain significance. Last evaluated: 2023-07-24. Review status: criteria provided, single submitter. Criteria: GeneDx Variant Classification Process June 2021. Collection method: clinical testing. Allele origin: germline. Affected: yes.
Comment: Has not been previously published as pathogenic or benign to our knowledge; In silico analysis supports that this missense variant has a deleterious effect on protein structure/function

Baylor Genetics
Classification: Uncertain significance for CODAS syndrome. Last evaluated: 2018-08-30. Review status: criteria provided, single submitter. Criteria: ACMG Guidelines, 2015. Collection method: clinical testing. Allele origin: unknown. Affected: yes.
Comment: This variant was determined to be of uncertain significance according to ACMG Guidelines, 2015 [PMID:25741868].